The following is an entry in ClinVar:

ClinVar aggregate classification (germline): Uncertain significance. Review status: criteria provided, multiple submitters, no conflicts (2 of 4 stars). 3 submissions from 3 submitters: Uncertain significance (3). Last evaluated 2023-01-26.

Conditions:
Hereditary cancer-predisposing syndrome. Also called: Neoplastic Syndromes, Hereditary; Hereditary Cancer Syndrome; Tumor predisposition; Hereditary neoplastic syndrome. Identifiers: Orphanet 140162, MedGen C0027672, MeSH D009386, MONDO:0015356.
Ataxia-telangiectasia syndrome (AT). Also called: LOUIS-BAR SYNDROME; Cerebello-oculocutaneous telangiectasia; Immunodeficiency with ataxia telangiectasia; Ataxia-telangiectasia, complementation group D; AT, COMPLEMENTATION GROUP C; Ataxia-telangiectasia, complementation group E. Identifiers: Orphanet 100, MedGen C0004135, MONDO:0008840, OMIM 208900.

gnomAD v4.1: 2 of 1,613,362 alleles (0.00012%); highest among the groups gnomAD compares: Non-Finnish European, 0.00017%; no homozygotes.

Submissions (3):

Labcorp Genetics (formerly Invitae), Labcorp
Classification: Uncertain significance for Ataxia-telangiectasia syndrome. Last evaluated: 2023-01-26. Review status: criteria provided, single submitter. Criteria: Invitae Variant Classification Sherloc (09022015). Collection method: clinical testing. Allele origin: germline.
Comment: This sequence change replaces valine, which is neutral and non-polar, with methionine, which is neutral and non-polar, at codon 2681 of the ATM protein (p.Val2681Met). This variant is not present in population databases (gnomAD no frequency). This missense change has been observed in individual(s) with clinical symptoms consistent with ATM-related conditions (Invitae). In at least one individual the data is consistent with being in trans (on the opposite chromosome) from a pathogenic variant. In summary, the available evidence is currently insufficient to determine the role of this variant in disease. Therefore, it has been classified as a Variant of Uncertain Significance. Algorithms developed to predict the effect of missense changes on protein structure and function are either unavailable or do not agree on the potential impact of this missense change (SIFT: "Deleterious"; PolyPhen-2: "Probably Damaging"; Align-GVGD: "Class C15"). ClinVar contains an entry for this variant (Variation ID: 421284).

Ambry Genetics
Classification: Uncertain significance for Hereditary cancer-predisposing syndrome. Last evaluated: 2021-03-17. Review status: criteria provided, single submitter. Criteria: Ambry Variant Classification Scheme 2023. Collection method: clinical testing. Allele origin: germline.
Comment: The p.V2681M variant (also known as c.8041G>A), located in coding exon 54 of the ATM gene, results from a G to A substitution at nucleotide position 8041. The valine at codon 2681 is replaced by methionine, an amino acid with highly similar properties. This amino acid position is highly conserved in available vertebrate species. In addition, this alteration is predicted to be deleterious by in silico analysis. Since supporting evidence is limited at this time, the clinical significance of this alteration remains unclear.

GeneDx
Classification: Uncertain significance. Last evaluated: 2016-05-20. Review status: criteria provided, single submitter. Criteria: GeneDx Variant Classification (06012015). Collection method: clinical testing. Allele origin: germline. Affected: yes.
Comment: This variant is denoted ATM c.8041G>A at the cDNA level, p.Val2681Met (V2681M) at the protein level, and results in the change of a Valine to a Methionine (GTG>ATG). This variant has not, to our knowledge, been published in the literature as pathogenic or benign. ATM Val2681Met was not observed in approximately 6,500 individuals of European and African American ancestry in the NHLBI Exome Sequencing Project, suggesting it is not a common benign variant in these populations. Since Valine and Methionine share similar properties, this is considered a conservative amino acid substitution. ATM Val2681Met occurs at a position that is conserved across species and is not located in a known functional domain (Tavtigian 2009, Stracker 2013). In silico analyses are inconsistent regarding the effect this variant may have on protein structure and function. Based on currently available evidence, it is unclear whether ATM Val2681Met is a pathogenic or benign variant. We consider it to be a variant of uncertain significance.

NM_000051.4(ATM):c.8041G>A (p.Val2681Met)

Genes: C11orf65 (chromosome 11 open reading frame 65; minus strand), ATM (ATM serine/threonine kinase; plus strand). Cytogenetic location: 11q22.3.
Variant type: single nucleotide variant.
Coding change: c.8041G>A on transcript NM_000051.4 (MANE Select); coding-DNA position 8041, G replaced by A.
Protein change: p.Val2681Met; replaces valine 2681 with methionine.
Molecular consequence: missense variant. On other transcripts: intron variant (2).
Genome position (GRCh38, 1-based): chr11:108,334,999, G>A. VCF-style: chr11-108334999-G-A. GRCh37 (hg19) VCF-style: chr11-108205726-G-A.
Other names: c.8041G>A, p.Val2681Met (NM_001351834.2); c.641-25928C>T (NM_001330368.2); c.*38+221C>T (NM_001351110.2); short protein forms V2681M.
Identifiers: ClinVar variation 421284 (VCV000421284.16), dbSNP rs1064795034, ClinGen allele CA16619245.